The following is an entry in ClinVar:

NM_001127255.2(NLRP7):c.2929del (p.Ile977fs)

Genes: NCR1 (natural cytotoxicity triggering receptor 1), NLRP7 (NLR family pyrin domain containing 7; minus strand). Cytogenetic location: 19q13.42.
Variant type: Deletion.
Coding change: c.2929del on transcript NM_001127255.2 (MANE Select); coding-DNA position 2929, one base deleted (A; older notation c.2929delA).
Protein change: p.Ile977fs; shifts the reading frame from isoleucine 977.
Molecular consequence: frameshift variant. On other transcripts: intron variant (1).
Genome position (GRCh38, 1-based): chr19:54,927,657, T deleted on the plus strand (A on the coding strand, the reverse complement: NLRP7 is on the minus strand); the first of 2 consecutive T bases (chr19:54,927,657-54,927,658); deleting either gives the same sequence. VCF-style (leftmost placement, unchanged base first): chr19-54927656-AT-A. GRCh37 (hg19) VCF-style: chr19-55439024-AT-A.
Other names: c.2929del, p.Ile977fs (NM_001405531.1); c.2845del, p.Ile949fs (NM_139176.4); c.2810+2842del (NM_206828.4); short protein forms I949fs, I977fs.
Identifiers: ClinVar variation 3771476 (VCV003771476.13).
Genomic context (GRCh38, chr19:54,927,656, plus strand): 5'-AACCCATACCTGAGTATCTTCAAGGATCCAGTTCTTTGTCTTAGAACCCCAAAGAGCTTA[AT>A]TATGCCACTCTTCCACAAATGATTCTGGCCCAGGTCCAGAGTTTCAAGCTTCTGATTGCT-3'

ClinVar aggregate classification (germline): Uncertain significance (1 of 4 stars; one submission).

Submission:

CeGaT Center for Human Genetics Tuebingen
Classification: Uncertain significance. Last evaluated: 2025-02-01. Review status: criteria provided, single submitter. Criteria: CeGaT Center For Human Genetics Tuebingen Variant Classification Criteria Version 2. Collection method: clinical testing. Allele origin: germline. Affected: yes. Observed: 1 variant allele.
Comment: NLRP7: PM2